The following is an entry in ClinVar:

NM_053025.4(MYLK):c.165+4A>G

Genes: MYLK (myosin light chain kinase; minus strand), LOC126806792 (CDK7 strongly-dependent group 2 enhancer GRCh37_chr3:123511339-123512538; plus strand). Cytogenetic location: 3q21.1.
Variant type: single nucleotide variant.
Coding change: c.165+4A>G on transcript NM_053025.4 (MANE Select); 4 bases into the intron after coding-DNA position 165, A replaced by G.
Molecular consequence: intron variant.
Genome position (GRCh38, 1-based): chr3:123,793,673, T>C on the plus strand (A>G on the coding strand, the complement: MYLK is on the minus strand). VCF-style: chr3-123793673-T-C. GRCh37 (hg19) VCF-style: chr3-123512520-T-C.
Other names: c.-156+4A>G (NM_001321309.2); c.165+4A>G (NM_053028.4, NM_053026.4, NM_053027.4).
Identifiers: ClinVar variation 2903187 (VCV002903187.3), dbSNP rs1560224764, ClinGen allele CA1398555508.

ClinVar aggregate classification (germline): Uncertain significance (1 of 4 stars; one submission).

Conditions:
Aortic aneurysm, familial thoracic 7 (AAT7). Also called: AORTIC DISSECTION, FAMILIAL, WITH OR WITHOUT AORTIC ANEURYSM. Identifiers: MedGen C3151077, MONDO:0013418, OMIM 613780.

Allele frequency attached by ClinVar (database versions not stated): gnomAD exomes below 0.00001.
gnomAD v4.1: 4 of 1,614,070 alleles (0.00025%); highest among the groups gnomAD compares: Non-Finnish European, 0.00034%; no homozygotes.

Submission:

Labcorp Genetics (formerly Invitae), Labcorp
Classification: Uncertain significance for Aortic aneurysm, familial thoracic 7. Last evaluated: 2024-02-14. Review status: criteria provided, single submitter. Criteria: Invitae Variant Classification Sherloc (09022015). Collection method: clinical testing. Allele origin: germline.
Comment: This sequence change falls in intron 4 of the MYLK gene. It does not directly change the encoded amino acid sequence of the MYLK protein. It affects a nucleotide within the consensus splice site. This variant is not present in population databases (gnomAD no frequency). This variant has not been reported in the literature in individuals affected with MYLK-related conditions. Variants that disrupt the consensus splice site are a relatively common cause of aberrant splicing (PMID: 17576681, 9536098). Algorithms developed to predict the effect of sequence changes on RNA splicing suggest that this variant is not likely to affect RNA splicing. In summary, the available evidence is currently insufficient to determine the role of this variant in disease. Therefore, it has been classified as a Variant of Uncertain Significance.

Literature cited by the submitters: PubMed 17576681; PubMed 9536098.